The following is an entry in ClinVar:

ClinVar aggregate classification (germline): Likely benign. Review status: criteria provided, multiple submitters, no conflicts (2 of 4 stars). 3 submissions from 3 submitters: Likely benign (3). Last evaluated 2024-11-01.

Conditions:
Emery-Dreifuss muscular dystrophy 4, autosomal dominant (EDMD4). Also called: EMERY-DREIFUSS MUSCULAR DYSTROPHY 4 WITH VARIABLE FEATURES. Identifiers: Orphanet 261, MedGen C2751807, MONDO:0013071, OMIM 612998.
Autosomal recessive ataxia, Beauce type. Also called: SYNE1-Related Autosomal Recessive Cerebellar Ataxia; Spinocerebellar ataxia, autosomal recessive 8; ATAXIA, RECESSIVE, OF BEAUCE; SYNE1 Deficiency. Identifiers: Orphanet 88644, MedGen C1853116, MONDO:0012549, OMIM 610743.

Allele frequency attached by ClinVar (database versions not stated): ExAC 0.00003; TOPMed 0.00003; gnomAD exomes 0.00004; ESP Exome Variant Server 0.00015.
gnomAD v4.1: 67 of 1,613,932 alleles (0.0042%); highest among the groups gnomAD compares: East Asian, 0.02%; no homozygotes.

Submissions (3):

CeGaT Center for Human Genetics Tuebingen
Classification: Likely benign. Last evaluated: 2024-11-01. Review status: criteria provided, single submitter. Criteria: CeGaT Center For Human Genetics Tuebingen Variant Classification Criteria Version 2. Collection method: clinical testing. Allele origin: germline. Affected: yes. Observed: 1 variant allele.
Comment: SYNE1: BP4

Labcorp Genetics (formerly Invitae), Labcorp
Classification: Likely benign for Emery-Dreifuss muscular dystrophy 4, autosomal dominant; Autosomal recessive ataxia, Beauce type. Last evaluated: 2024-05-23. Review status: criteria provided, single submitter. Criteria: Invitae Variant Classification Sherloc (09022015). Collection method: clinical testing. Allele origin: germline.

Athena Diagnostics
Classification: Likely benign. Last evaluated: 2021-05-07. Review status: criteria provided, single submitter. Criteria: Athena Diagnostics criteria. Collection method: clinical testing. Allele origin: unknown.

NM_182961.4(SYNE1):c.23979-7G>A

Gene: SYNE1 (spectrin repeat containing nuclear envelope protein 1; minus strand). Cytogenetic location: 6q25.2.
Variant type: single nucleotide variant.
Coding change: c.23979-7G>A on transcript NM_182961.4 (MANE Select); 7 bases into the intron before coding-DNA position 23979, G replaced by A.
Molecular consequence: intron variant.
Genome position (GRCh38, 1-based): chr6:152,155,049, C>T on the plus strand (G>A on the coding strand, the complement: SYNE1 is on the minus strand). VCF-style: chr6-152155049-C-T. GRCh37 (hg19) VCF-style: chr6-152476184-C-T.
Other names: c.23766-7G>A (NM_033071.5); c.585-7G>A (NM_001347701.2); c.444-7G>A (NM_001347702.2); c.23979-7G>A (NM_182961.2).
Identifiers: ClinVar variation 707292 (VCV000707292.25), dbSNP rs376918337, ClinGen allele CA4053285.
Genomic context (GRCh38, chr6:152,155,049, plus strand): 5'-AAACGTGAATAGTCATCCAGAAATTTCTGCCACAATCGCCACGTCTCTTCGATTCTGGGG[C>T]GGAAAATGAAAGAACAGATTCAGATTATTGGAGACTGTTTTCGCTCCAGAACCCGGTCTG-3'